The following is an entry in ClinVar:

ClinVar aggregate classification (germline): Pathogenic (1 of 4 stars; one submission).

Conditions:
Joubert syndrome and related disorders. Identifiers: Orphanet 140874, MedGen C5679612, MONDO:0015369.

Submission:

Women's Health and Genetics/Laboratory Corporation of America, LabCorp
Classification: Pathogenic for Joubert syndrome and related disorders. Last evaluated: 2024-08-23. Review status: criteria provided, single submitter. Criteria: LabCorp Variant Classification Summary - May 2015. Collection method: clinical testing. Allele origin: germline.
Comment: Variant summary: TCTN1 c.1114dupC (p.Gln372ProfsX25) results in a premature termination codon, predicted to cause a truncation of the encoded protein or absence of the protein due to nonsense mediated decay, which are commonly known mechanisms for disease. The frequency data for this variant in gnomAD is considered unreliable, as metrics indicate poor data quality at this position. To our knowledge, no occurrence of c.1114dupC in individuals affected with Joubert Syndrome And Related Disorders and no experimental evidence demonstrating its impact on protein function have been reported. No submitters have cited clinical-significance assessments for this variant to ClinVar. Based on the evidence outlined above, the variant was classified as pathogenic.

NM_001082538.3(TCTN1):c.1114dup (p.Gln372fs)

Gene: TCTN1 (tectonic family member 1; plus strand). Cytogenetic location: 12q24.11.
Variant type: Duplication.
Coding change: c.1114dup on transcript NM_001082538.3 (MANE Select); coding-DNA position 1114, one base duplicated (C; older notation c.1114dupC).
Protein change: p.Gln372fs; shifts the reading frame from glutamine 372.
Molecular consequence: frameshift variant.
Genome position (GRCh38, 1-based): chr12:110,641,551, C duplicated; the last of 3 consecutive C bases (chr12:110,641,549-110,641,551); duplicating any one gives the same sequence. VCF-style (leftmost placement, unchanged base first): chr12-110641548-A-AC. GRCh37 (hg19) VCF-style: chr12-111079353-A-AC.
Other names: c.1114dup, p.Gln372fs (NM_001082537.3, NM_001319680.2); c.946dup, p.Gln316fs (NM_001173975.3); c.934dup, p.Gln312fs (NM_001173976.2); c.580dup, p.Gln194fs (NM_001319681.2); c.1072dup, p.Gln358fs (NM_024549.6); c.1114dupC (NM_001082538.3); short protein forms Q194fs, Q312fs, Q316fs, Q358fs, Q372fs.
Identifiers: ClinVar variation 3366636 (VCV003366636.1).